The following is an entry in ClinVar:

ClinVar aggregate classification (germline): Likely benign (1 of 4 stars; one submission).

Conditions:
NF1-related disorder. Also called: NF1-related condition. Identifiers: MedGen CN379171.

Submission:

PreventionGenetics, part of Exact Sciences
Classification: Likely benign for NF1-related condition. Last evaluated: 2026-01-27. Review status: criteria provided, single submitter. Criteria: ACMG Guidelines, 2015. Collection method: clinical testing. Allele origin: germline.
Comment: This variant is classified as likely benign based on ACMG/AMP sequence variant interpretation guidelines (Richards et al. 2015 PMID: 25741868, with internal and published modifications).

NM_001042492.3(NF1):c.5562G>A (p.Leu1854=)

Gene: NF1 (neurofibromin 1; plus strand). Cytogenetic location: 17q11.2.
Variant type: single nucleotide variant.
Coding change: c.5562G>A on transcript NM_001042492.3 (MANE Select); coding-DNA position 5562, G replaced by A.
Protein change: p.Leu1854=; no amino-acid change (leucine 1854 retained).
Molecular consequence: synonymous variant.
Genome position (GRCh38, 1-based): chr17:31,327,792, G>A. VCF-style: chr17-31327792-G-A. GRCh37 (hg19) VCF-style: chr17-29654810-G-A.
Other names: c.5499G>A, p.Leu1833= (NM_000267.4).
Identifiers: ClinVar variation 4984173 (VCV004984173.1).